The following is an entry in ClinVar:

NM_003072.5(SMARCA4):c.4420G>C (p.Asp1474His)

Gene: SMARCA4 (SWI/SNF related BAF chromatin remodeling complex subunit ATPase 4; plus strand). Cytogenetic location: 19p13.2.
Variant type: single nucleotide variant.
Coding change: c.4420G>C on transcript NM_003072.5 (MANE Select); coding-DNA position 4420, G replaced by C.
Protein change: p.Asp1474His; replaces aspartic acid 1474 with histidine.
Molecular consequence: missense variant. On other transcripts: non-coding transcript variant (1).
Genome position (GRCh38, 1-based): chr19:11,041,556, G>C. VCF-style: chr19-11041556-G-C. GRCh37 (hg19) VCF-style: chr19-11152232-G-C.
Other names: c.4420G>C, p.Asp1474His (NM_001128844.3); c.4330G>C, p.Asp1444His (NM_001128845.2, NM_001128846.2); c.4321G>C, p.Asp1441His (NM_001128847.4, NM_001128848.2, NM_001374457.1); c.4516G>C, p.Asp1506His (NM_001128849.3, NM_001387283.1); short protein forms D1506H, D1474H, D1441H, D1444H.
Identifiers: ClinVar variation 480685 (VCV000480685.5), dbSNP rs1555788376, ClinGen allele CA404074232.

ClinVar aggregate classification (germline): Uncertain significance (1 of 4 stars; one submission).

Conditions:
Hereditary cancer-predisposing syndrome. Also called: Hereditary Cancer Syndrome; Neoplastic Syndromes, Hereditary; Tumor predisposition; Hereditary neoplastic syndrome. Identifiers: Orphanet 140162, MedGen C0027672, MeSH D009386, MONDO:0015356.

Allele frequency attached by ClinVar (database versions not stated): gnomAD 0.00001.
gnomAD v4.1: 1 of 1,612,804 alleles (0.000062%); highest among the groups gnomAD compares: Non-Finnish European, 0.000085%; no homozygotes.

Submission:

Ambry Genetics
Classification: Uncertain significance for Hereditary cancer-predisposing syndrome. Last evaluated: 2017-04-19. Review status: criteria provided, single submitter. Criteria: Ambry Variant Classification Scheme 2023. Collection method: clinical testing. Allele origin: germline.
Comment: The p.D1506H variant (also known as c.4516G>C), located in coding exon 30 of the SMARCA4 gene, results from a G to C substitution at nucleotide position 4516. The aspartic acid at codon 1506 is replaced by histidine, an amino acid with similar properties. This amino acid position is highly conserved in available vertebrate species. In addition, the in silico prediction for this alteration is inconclusive. Since supporting evidence is limited at this time, the clinical significance of this alteration remains unclear.